The following is an entry in ClinVar:

ClinVar aggregate classification (germline): Likely pathogenic (1 of 4 stars; one submission).

Conditions:
Ehlers-Danlos syndrome, type 4 (EDSVASC). Also called: Ehlers-Danlos syndrome vascular type; Ehlers Danlos syndrome, ecchymotic type; Ehlers Danlos syndrome, arterial type; Ehlers Danlos syndrome, Sack-Barabas type; Ehlers-Danlos Syndrome Type IV. Identifiers: Orphanet 286, MedGen C0268338, MONDO:0017314, OMIM 130050.

Submission:

Labcorp Genetics (formerly Invitae), Labcorp
Classification: Likely pathogenic for Ehlers-Danlos syndrome, type 4. Last evaluated: 2025-04-30. Review status: criteria provided, single submitter. Criteria: Invitae Variant Classification Sherloc (09022015). Collection method: clinical testing. Allele origin: germline.
Comment: This sequence change affects an acceptor splice site in intron 41 of the COL3A1 gene. It is expected to disrupt RNA splicing. Variants that disrupt the donor or acceptor splice site typically lead to a loss of protein function (PMID: 16199547), and loss-of-function variants in COL3A1 are known to be pathogenic (PMID: 24922459). This variant is not present in population databases (gnomAD no frequency). This variant has not been reported in the literature in individuals affected with COL3A1-related conditions. ClinVar contains an entry for this variant (Variation ID: 3692254). Algorithms developed to predict the effect of sequence changes on RNA splicing suggest that this variant may disrupt the consensus splice site. In summary, the currently available evidence indicates that the variant is pathogenic, but additional data are needed to prove that conclusively. Therefore, this variant has been classified as Likely Pathogenic.

Literature cited by the submitters: PubMed 16199547; PubMed 24922459.

NM_000090.4(COL3A1):c.3040-1G>A

Gene: COL3A1 (collagen type III alpha 1 chain; plus strand). Cytogenetic location: 2q32.2.
Variant type: single nucleotide variant.
Coding change: c.3040-1G>A on transcript NM_000090.4 (MANE Select); the canonical splice acceptor site of the intron before coding-DNA position 3040, G replaced by A.
Molecular consequence: splice acceptor variant.
Genome position (GRCh38, 1-based): chr2:189,006,205, G>A. VCF-style: chr2-189006205-G-A. GRCh37 (hg19) VCF-style: chr2-189870931-G-A.
Identifiers: ClinVar variation 3692254 (VCV003692254.2).